The following is an entry in ClinVar:

ClinVar aggregate classification (germline): Benign (0 of 4 stars; one submission).

Conditions:
PREX2-related disorder. Also called: PREX2-related condition.

Allele frequency attached by ClinVar (database versions not stated): ExAC 0.01035; TOPMed 0.02688; 1000 Genomes Project 30x 0.02826; ESP Exome Variant Server 0.02837; gnomAD 0.02374; 1000 Genomes Project 0.02636.
gnomAD v4.1: 10,214 of 1,604,166 alleles (0.64%); highest among the groups gnomAD compares: African/African-American, 7.5%; 255 homozygotes.

Submission:

PreventionGenetics, part of Exact Sciences
Classification: Benign for PREX2-related condition. Last evaluated: 2019-07-01. Review status: no assertion criteria provided. Collection method: clinical testing. Allele origin: germline.
Comment: This variant is classified as benign based on ACMG/AMP sequence variant interpretation guidelines (Richards et al. 2015 PMID: 25741868, with internal and published modifications).

NM_024870.4(PREX2):c.2116A>T (p.Thr706Ser)

Gene: PREX2 (phosphatidylinositol-3,4,5-trisphosphate dependent Rac exchange factor 2; plus strand). Cytogenetic location: 8q13.2.
Variant type: single nucleotide variant.
Coding change: c.2116A>T on transcript NM_024870.4 (MANE Select); coding-DNA position 2116, A replaced by T.
Protein change: p.Thr706Ser; replaces threonine 706 with serine.
Molecular consequence: missense variant.
Genome position (GRCh38, 1-based): chr8:68,090,581, A>T. VCF-style: chr8-68090581-A-T. GRCh37 (hg19) VCF-style: chr8-69002816-A-T.
Other names: c.2116A>T, p.Thr706Ser (NM_025170.6); short protein forms T706S.
Identifiers: ClinVar variation 3057031 (VCV003057031.2), dbSNP rs61738008, ClinGen allele CA4773859.